The following is an entry in ClinVar:

ClinVar aggregate classification (germline): Uncertain significance. Review status: criteria provided, multiple submitters, no conflicts (2 of 4 stars). 5 submissions from 5 submitters: Uncertain significance (5). Last evaluated 2025-12-08.

Conditions:
CARD14-related disorder. Also called: CARD14-related condition.
Autoinflammatory syndrome. Identifiers: Orphanet 93665, MedGen C3890737, MONDO:0019751.
Pityriasis rubra pilaris (PRP). Also called: Pityriasis rubra pilaris--familial type. Identifiers: Orphanet 2897, MedGen C0032027, MONDO:0100017, OMIM 173200, MONDO:0008251.
Psoriasis 2. Identifiers: MedGen C1864497, MONDO:0011269, OMIM 602723.

Allele frequency attached by ClinVar (database versions not stated): gnomAD exomes 0.00003 and 0.00004; ExAC 0.00004; TOPMed 0.00005.
gnomAD v4.1: 51 of 1,587,808 alleles (0.0032%); highest among the groups gnomAD compares: Middle Eastern, 0.05%; no homozygotes.

Submissions (5):

Labcorp Genetics (formerly Invitae), Labcorp
Classification: Uncertain significance for Pityriasis rubra pilaris; Psoriasis 2. Last evaluated: 2025-12-08. Review status: criteria provided, single submitter. Criteria: Invitae Variant Classification Sherloc (09022015). Collection method: clinical testing. Allele origin: germline.
Comment: This sequence change replaces glutamine, which is neutral and polar, with lysine, which is basic and polar, at codon 145 of the CARD14 protein (p.Gln145Lys). The frequency data for this variant in the population databases is considered unreliable, as metrics indicate poor data quality at this position in the gnomAD database. This variant has not been reported in the literature in individuals affected with CARD14-related conditions. ClinVar contains an entry for this variant (Variation ID: 847232). Invitae Evidence Modeling of protein sequence and biophysical properties (such as structural, functional, and spatial information, amino acid conservation, physicochemical variation, residue mobility, and thermodynamic stability) indicates that this missense variant is not expected to disrupt CARD14 protein function with a negative predictive value of 95%. In summary, the available evidence is currently insufficient to determine the role of this variant in disease. Therefore, it has been classified as a Variant of Uncertain Significance.

CeGaT Center for Human Genetics Tuebingen
Classification: Uncertain significance. Last evaluated: 2024-07-01. Review status: criteria provided, single submitter. Criteria: CeGaT Center For Human Genetics Tuebingen Variant Classification Criteria Version 2. Collection method: clinical testing. Allele origin: germline. Affected: yes. Observed: 1 variant allele.

PreventionGenetics, part of Exact Sciences
Classification: Uncertain significance for CARD14-related condition. Last evaluated: 2022-11-14. Review status: criteria provided, single submitter. Criteria: ACMG Guidelines, 2015. Collection method: clinical testing. Allele origin: germline.
Comment: The CARD14 c.433C>A variant is predicted to result in the amino acid substitution p.Gln145Lys. To our knowledge, this variant has not been reported in the literature. This variant is reported in 0.0060% of alleles in individuals of European (Non-Finnish) descent in gnomAD. At this time, the clinical significance of this variant is uncertain due to the absence of conclusive functional and genetic evidence.

Mayo Clinic Laboratories, Mayo Clinic
Classification: Uncertain significance. Last evaluated: 2022-08-08. Review status: criteria provided, single submitter. Criteria: ACMG Guidelines, 2015. Collection method: clinical testing. Allele origin: germline. Observed: 1 variant allele.
Comment: BP4

Genome Diagnostics Laboratory, The Hospital for Sick Children
Classification: Uncertain significance for Autoinflammatory syndrome. Last evaluated: 2021-02-26. Review status: criteria provided, single submitter. Criteria: ACMG Guidelines, 2015. Collection method: clinical testing. Allele origin: germline. Affected: yes.

NM_001366385.1(CARD14):c.433C>A (p.Gln145Lys)

Gene: CARD14 (caspase recruitment domain family member 14; plus strand). Cytogenetic location: 17q25.3.
Variant type: single nucleotide variant.
Coding change: c.433C>A on transcript NM_001366385.1 (MANE Select); coding-DNA position 433, C replaced by A.
Protein change: p.Gln145Lys; replaces glutamine 145 with lysine.
Molecular consequence: missense variant. On other transcripts: non-coding transcript variant (1).
Genome position (GRCh38, 1-based): chr17:80,183,996, C>A. VCF-style: chr17-80183996-C-A. GRCh37 (hg19) VCF-style: chr17-78157795-C-A.
Other names: p.Gln145Lys; c.433C>A, p.Gln145Lys (NM_001257970.1, NM_024110.4); short protein forms Q145K.
Identifiers: ClinVar variation 847232 (VCV000847232.31), dbSNP rs781101097, ClinGen allele CA8816423.